The following is an entry in ClinVar:

ClinVar aggregate classification (germline): Conflicting classifications of pathogenicity. Review status: criteria provided, conflicting classifications (1 of 4 stars). 3 submissions from 3 submitters: Uncertain significance (2); Likely benign (1). Last evaluated 2024-10-23.

Allele frequency attached by ClinVar (database versions not stated): gnomAD exomes below 0.00001; gnomAD 0.00001; TOPMed 0.00003.
gnomAD v4.1: 5 of 1,613,934 alleles (0.00031%); highest among the groups gnomAD compares: Admixed American, 0.0067%; no homozygotes.

Submissions (3):

Labcorp Genetics (formerly Invitae), Labcorp
Classification: Likely benign. Last evaluated: 2024-10-23. Review status: criteria provided, single submitter. Criteria: Invitae Variant Classification Sherloc (09022015). Collection method: clinical testing. Allele origin: germline.

GeneDx
Classification: Uncertain significance. Last evaluated: 2022-01-07. Review status: criteria provided, single submitter. Criteria: GeneDx Variant Classification Process June 2021. Collection method: clinical testing. Allele origin: germline. Affected: yes.
Comment: Has not been previously published as pathogenic or benign to our knowledge; In-silico analysis is inconclusive as to whether the variant alters gene splicing. In the absence of RNA/functional studies, the actual effect of this sequence change is unknown.

Breakthrough Genomics
Classification: Uncertain significance. Review status: criteria provided, single submitter. Criteria: ACMG Guidelines, 2015. Collection method: not provided. Allele origin: germline. Inheritance: Autosomal dominant inheritance. Affected: yes.

NM_001083961.2(WDR62):c.3463-9T>C

Gene: WDR62 (WD repeat domain 62; plus strand). Cytogenetic location: 19q13.12.
Variant type: single nucleotide variant.
Coding change: c.3463-9T>C on transcript NM_001083961.2 (MANE Select); 9 bases into the intron before coding-DNA position 3463, T replaced by C.
Molecular consequence: intron variant.
Genome position (GRCh38, 1-based): chr19:36,103,147, T>C. VCF-style: chr19-36103147-T-C. GRCh37 (hg19) VCF-style: chr19-36594049-T-C.
Other names: c.3448-9T>C (NM_173636.5).
Identifiers: ClinVar variation 1335828 (VCV001335828.7), dbSNP rs1346976662, ClinGen allele CA633062333.